The following is an entry in ClinVar:

ClinVar aggregate classification (germline): Conflicting classifications of pathogenicity. Review status: criteria provided, conflicting classifications (1 of 4 stars). 10 submissions from 10 submitters: Uncertain significance (7); Benign (1); Likely benign (2). Last evaluated 2026-02-01.

Conditions:
COL6A3-related disorder. Also called: COL6A3-related disorders; COL6A3-related condition.
Collagen 6-related myopathy. Identifiers: MedGen CN117976, MONDO:0100225.
Bethlem myopathy 1A. Also called: Bethlem Muscular Dystrophy; Bethlem myopathy 1; MYOPATHY, BENIGN CONGENITAL, WITH CONTRACTURES. Identifiers: Orphanet 610, MedGen CN029274, MONDO:0024530, OMIM 158810.

Allele frequency attached by ClinVar (database versions not stated): TOPMed 0.00064; ESP Exome Variant Server 0.00031.
gnomAD v4.1: 1,414 of 1,614,116 alleles (0.088%); highest among the groups gnomAD compares: Non-Finnish European, 0.11%; 2 homozygotes.

Submissions (10):

Labcorp Genetics (formerly Invitae), Labcorp
Classification: Likely benign for Bethlem myopathy 1A. Last evaluated: 2026-02-01. Review status: criteria provided, single submitter. Criteria: Invitae Variant Classification Sherloc (09022015). Collection method: clinical testing. Allele origin: germline.

Mayo Clinic Laboratories, Mayo Clinic
Classification: Uncertain significance. Last evaluated: 2025-10-22. Review status: criteria provided, single submitter. Criteria: ACMG Guidelines, 2015. Collection method: clinical testing. Allele origin: germline. Observed: 1 variant allele.
Comment: BS1

PreventionGenetics, part of Exact Sciences
Classification: Likely benign for COL6A3-related condition. Last evaluated: 2025-08-13. Review status: criteria provided, single submitter. Criteria: ACMG Guidelines, 2015. Collection method: clinical testing. Allele origin: germline.
Comment: This variant is classified as likely benign based on ACMG/AMP sequence variant interpretation guidelines (Richards et al. 2015 PMID: 25741868, with internal and published modifications).

Women's Health and Genetics/Laboratory Corporation of America, LabCorp
Classification: Uncertain significance. Last evaluated: 2025-03-25. Review status: criteria provided, single submitter. Criteria: LabCorp Variant Classification Summary - May 2015. Collection method: clinical testing. Allele origin: germline.
Comment: Variant summary: COL6A3 c.4510C>T (p.Arg1504Trp) results in a non-conservative amino acid change located in the von Willebrand factor, type A domain (IPR002035) of the encoded protein sequence. Five of five in-silico tools predict a damaging effect of the variant on protein function. The variant allele was found at a frequency of 0.00088 in 1614116 control chromosomes in the gnomAD database, including 2 homozygotes. This frequency is not significantly higher than estimated for a pathogenic variant in COL6A3 causing Ullrich Congenital Muscular Dystrophy 1, allowing no conclusion about variant significance. c.4510C>T has been reported in the literature in individuals affected with clinical features of COL6A3-related conditions (e.g. Kumar_2019, Meinke_2020, Nallamilli_2018). These reports do not provide unequivocal conclusions about association of the variant with Ullrich Congenital Muscular Dystrophy 1. At least one publication reports experimental evidence evaluating an impact on protein function, however, does not allow convincing conclusions about the variant effect (Bloks_2024). The following publications have been ascertained in the context of this evaluation (PMID: 39021299, 31731261, 31862442, 30564623). ClinVar contains an entry for this variant (Variation ID: 166943). Based on the evidence outlined above, the variant was classified as uncertain significance.

Revvity Omics, Revvity
Classification: Uncertain significance. Last evaluated: 2024-11-12. Review status: criteria provided, single submitter. Criteria: ACMG Guidelines, 2015. Collection method: clinical testing. Allele origin: germline.

CeGaT Center for Human Genetics Tuebingen
Classification: Uncertain significance. Last evaluated: 2024-01-01. Review status: criteria provided, single submitter. Criteria: CeGaT Center For Human Genetics Tuebingen Variant Classification Criteria Version 2. Collection method: clinical testing. Allele origin: germline. Affected: yes. Observed: 3 variant alleles.

GeneDx
Classification: Uncertain significance. Last evaluated: 2022-07-05. Review status: criteria provided, single submitter. Criteria: GeneDx Variant Classification Process June 2021. Collection method: clinical testing. Allele origin: germline. Affected: yes.
Comment: Reported previously in the heterozygous state as a variant of uncertain significance in an individual with limb-girdle muscular dystrophy (Nallamilli et al., 2018); Reported along with a second COL6A3 variant in a patient with segmental and cervical dystonia and tremor; however, segregation information was not available (Kumar et al., 2019); In silico analysis supports that this missense variant has a deleterious effect on protein structure/function; This variant is associated with the following publications: (PMID: 29411265, 30564623, 31731261)

Athena Diagnostics
Classification: Uncertain significance. Last evaluated: 2019-06-03. Review status: criteria provided, single submitter. Criteria: Athena Diagnostics Criteria. Collection method: clinical testing. Allele origin: germline.

Eurofins Ntd Llc (ga)
Classification: Uncertain significance. Last evaluated: 2018-03-15. Review status: criteria provided, single submitter. Criteria: EGL ClinVar v180209 classification definitions. Collection method: clinical testing. Allele origin: germline. Observed: 11 variant alleles, 11 heterozygotes.

Illumina Laboratory Services, Illumina
Classification: Benign for Collagen VI-related myopathy. Last evaluated: 2018-01-13. Review status: criteria provided, single submitter. Criteria: ICSL Variant Classification Criteria 13 December 2019. Collection method: clinical testing. Allele origin: germline.
Comment: This variant was observed in the ICSL laboratory as part of a predisposition screen in an ostensibly healthy population. It had not been previously curated by ICSL or reported in the Human Gene Mutation Database (HGMD: prior to June 1st, 2018), and was therefore a candidate for classification through an automated scoring system. Utilizing variant allele frequency, disease prevalence and penetrance estimates, and inheritance mode, an automated score was calculated to assess if this variant is too frequent to cause the disease. Based on the score and internal cut-off values, a variant classified as benign is not then subjected to further curation. The score for this variant resulted in a classification of benign for this disease.

Literature cited by the submitters: PubMed 30564623 (cited by 3 submitters); PubMed 31731261 (cited by Mayo Clinic Laboratories, Mayo Clinic and Women's Health and Genetics/Laboratory Corporation of America, LabCorp); PubMed 37813462 (cited by Mayo Clinic Laboratories, Mayo Clinic); PubMed 39021299 (cited by Mayo Clinic Laboratories, Mayo Clinic and Women's Health and Genetics/Laboratory Corporation of America, LabCorp); PubMed 31862442 (cited by Women's Health and Genetics/Laboratory Corporation of America, LabCorp).

NM_004369.4(COL6A3):c.4510C>T (p.Arg1504Trp)

Gene: COL6A3 (collagen type VI alpha 3 chain; minus strand). Cytogenetic location: 2q37.3.
Variant type: single nucleotide variant.
Coding change: c.4510C>T on transcript NM_004369.4 (MANE Select); coding-DNA position 4510, C replaced by T.
Protein change: p.Arg1504Trp; replaces arginine 1504 with tryptophan.
Molecular consequence: missense variant.
Genome position (GRCh38, 1-based): chr2:237,368,953, G>A on the plus strand (C>T on the coding strand, the complement: COL6A3 is on the minus strand). VCF-style: chr2-237368953-G-A. GRCh37 (hg19) VCF-style: chr2-238277596-G-A.
Other names: c.2689C>T, p.Arg897Trp (NM_057166.5); c.3892C>T, p.Arg1298Trp (NM_057167.4); short protein forms R1298W, R897W.
Identifiers: ClinVar variation 166943 (VCV000166943.64), dbSNP rs144223596, ClinGen allele CA233835.